The following is an entry in ClinVar:

NM_000465.4(BARD1):c.2170G>T (p.Ala724Ser)

Gene: BARD1 (BRCA1 associated RING domain 1; minus strand). Cytogenetic location: 2q35.
Variant type: single nucleotide variant.
Coding change: c.2170G>T on transcript NM_000465.4 (MANE Select); coding-DNA position 2170, G replaced by T.
Protein change: p.Ala724Ser; replaces alanine 724 with serine.
Molecular consequence: missense variant. On other transcripts: non-coding transcript variant (3).
Genome position (GRCh38, 1-based): chr2:214,728,840, C>A on the plus strand (G>T on the coding strand, the complement: BARD1 is on the minus strand). VCF-style: chr2-214728840-C-A. GRCh37 (hg19) VCF-style: chr2-215593564-C-A.
Other names: c.2113G>T, p.Ala705Ser (NM_001282543.2); c.817G>T, p.Ala273Ser (NM_001282545.2); c.760G>T, p.Ala254Ser (NM_001282548.2); c.631G>T, p.Ala211Ser (NM_001282549.2); short protein forms A273S, A724S, A254S, A211S, A705S.
Identifiers: ClinVar variation 1787095 (VCV001787095.2), dbSNP rs2105987075, ClinGen allele CA350450393.

ClinVar aggregate classification (germline): Uncertain significance (1 of 4 stars; one submission).

Conditions:
Hereditary cancer-predisposing syndrome. Also called: Neoplastic Syndromes, Hereditary; Tumor predisposition; Hereditary Cancer Syndrome; Hereditary neoplastic syndrome. Identifiers: Orphanet 140162, MedGen C0027672, MeSH D009386, MONDO:0015356.

Submission:

Ambry Genetics
Classification: Uncertain significance for Hereditary cancer-predisposing syndrome. Last evaluated: 2020-02-12. Review status: criteria provided, single submitter. Criteria: Ambry Variant Classification Scheme 2023. Collection method: clinical testing. Allele origin: germline.
Comment: The p.A724S variant (also known as c.2170G>T), located in coding exon 11 of the BARD1 gene, results from a G to T substitution at nucleotide position 2170. The alanine at codon 724 is replaced by serine, an amino acid with similar properties. This amino acid position is highly conserved in available vertebrate species. In addition, the in silico prediction for this alteration is inconclusive. Since supporting evidence is limited at this time, the clinical significance of this alteration remains unclear.